The following is an entry in ClinVar:

NM_005883.3(APC2):c.650_656dup (p.Glu220fs)

Genes: APC2 (APC regulator of Wnt signaling pathway 2; plus strand), LOC130062955 (ATAC-STARR-seq lymphoblastoid silent region 9717; plus strand). Cytogenetic location: 19p13.3.
Variant type: Microsatellite.
Coding change: c.650_656dup on transcript NM_005883.3 (MANE Select); coding-DNA positions 650 to 656, 7 bases duplicated (CGCGCCT; older notation c.650_656dupCGCGCCT).
Protein change: p.Glu220fs; shifts the reading frame from glutamic acid 220.
Molecular consequence: frameshift variant.
Genome position (GRCh38, 1-based): chr19:1,456,086-1,456,092, CGCGCCT duplicated; duplicating any 7 consecutive bases within chr19:1,456,079-1,456,092 gives the same sequence; the c. name uses the placement nearest the transcript's 3' end. VCF-style (leftmost placement, unchanged base first): chr19-1456078-C-CCGCGCCT. GRCh37 (hg19) VCF-style: chr19-1456077-C-CCGCGCCT.
Other names: c.647_653dup, p.Glu219fs (NM_001351273.1); c.650_656dupCGCGCCT (NM_005883.3); short protein forms E219fs, E220fs.
Identifiers: ClinVar variation 4689442 (VCV004689442.1).

ClinVar aggregate classification (germline): Pathogenic (1 of 4 stars; one submission).

Conditions:
APC2-related disorder. Also called: APC2-related condition; APC2-Related Disorders.

Submission:

Women's Health and Genetics/Laboratory Corporation of America, LabCorp
Classification: Pathogenic for APC2-Related Disorders. Last evaluated: 2026-01-13. Review status: criteria provided, single submitter. Criteria: LabCorp Variant Classification Summary - May 2015. Collection method: clinical testing. Allele origin: germline.
Comment: Variant summary: APC2 c.650_656dupCGCGCCT (p.Glu220AlafsX6) results in a premature termination codon, predicted to cause a truncation of the encoded protein or absence of the protein due to nonsense mediated decay, which are commonly known mechanisms for disease. The variant was absent in 183692 control chromosomes. To our knowledge, no occurrence of c.650_656dupCGCGCCT in individuals affected with APC2-related conditions and no experimental evidence demonstrating its impact on protein function have been reported. No submitters have cited clinical-significance assessments for this variant to ClinVar. Based on the evidence outlined above, the variant was classified as pathogenic.